The following is an entry in ClinVar:

ClinVar aggregate classification (germline): Uncertain significance (1 of 4 stars; one submission).

Conditions:
Malignant hyperthermia, susceptibility to, 1 (MHS1). Also called: Anesthesia related hyperthermia; Malignant hyperpyrexia; Fulminating hyperpyrexia; Pharmacogenic myopathy; RYR1-Related Malignant Hyperthermia Susceptibility; Malignant hyperthermia suceptibility 1. Identifiers: Orphanet 423, MedGen C2930980, MONDO:0007783, OMIM 145600.

Submission:

All of Us Research Program, National Institutes of Health
Classification: Uncertain significance for Malignant hyperthermia, susceptibility to, 1. Last evaluated: 2023-08-28. Review status: criteria provided, single submitter. Criteria: ACMG Guidelines, 2015. Collection method: clinical testing. Allele origin: germline. Inheritance: Autosomal dominant inheritance. Observed: 1 variant allele, 1 heterozygote.
Comment: This missense variant replaces aspartic acid with asparagine at codon 4695 of the RYR1 protein. Computational prediction is inconclusive regarding the impact of this variant on protein structure and function (internally defined REVEL score threshold 0.5 < inconclusive < 0.7, PMID: 27666373). To our knowledge, functional studies have not been reported for this variant. This variant has not been reported in individuals affected with RYR1-related disorders in the literature. This variant has not been identified in the general population by the Genome Aggregation Database (gnomAD). The available evidence is insufficient to determine the role of this variant in disease conclusively. Therefore, this variant is classified as a Variant of Uncertain Significance.

This study involves interpretation of variants in research participants for the purpose of population health screening. Participant phenotype was not available at the time of variant classification. Additional details can be found in publication PMID: 35346344, PMCID: PMC8962531

NM_000540.3(RYR1):c.14083G>A (p.Asp4695Asn)

Gene: RYR1 (ryanodine receptor 1; plus strand). Cytogenetic location: 19q13.2.
Variant type: single nucleotide variant.
Coding change: c.14083G>A on transcript NM_000540.3 (MANE Select); coding-DNA position 14083, G replaced by A.
Protein change: p.Asp4695Asn; replaces aspartic acid 4695 with asparagine.
Molecular consequence: missense variant.
Genome position (GRCh38, 1-based): chr19:38,573,261, G>A. VCF-style: chr19-38573261-G-A. GRCh37 (hg19) VCF-style: chr19-39063901-G-A.
Other names: c.14068G>A, p.Asp4690Asn (NM_001042723.2); short protein forms D4690N, D4695N.
Identifiers: ClinVar variation 3073196 (VCV003073196.1), dbSNP rs2514718542, ClinGen allele CA405682440.